The following is an entry in ClinVar:

ClinVar aggregate classification (germline): Uncertain significance (1 of 4 stars; one submission).

Submission:

Labcorp Genetics (formerly Invitae), Labcorp
Classification: Uncertain significance. Last evaluated: 2022-05-12. Review status: criteria provided, single submitter. Criteria: Invitae Variant Classification Sherloc (09022015). Collection method: clinical testing. Allele origin: germline.
Comment: In summary, the available evidence is currently insufficient to determine the role of this variant in disease. Therefore, it has been classified as a Variant of Uncertain Significance. Algorithms developed to predict the effect of missense changes on protein structure and function are either unavailable or do not agree on the potential impact of this missense change (SIFT: "Not Available"; PolyPhen-2: "Benign"; Align-GVGD: "Not Available"). This variant has not been reported in the literature in individuals affected with ADNP-related conditions. This variant is not present in population databases (gnomAD no frequency). This sequence change replaces proline, which is neutral and non-polar, with serine, which is neutral and polar, at codon 604 of the ADNP protein (p.Pro604Ser).

NM_001282531.3(ADNP):c.1810C>T (p.Pro604Ser)

Gene: ADNP (activity dependent neuroprotector homeobox; minus strand). Cytogenetic location: 20q13.13.
Variant type: single nucleotide variant.
Coding change: c.1810C>T on transcript NM_001282531.3 (MANE Select); coding-DNA position 1810, C replaced by T.
Protein change: p.Pro604Ser; replaces proline 604 with serine.
Molecular consequence: missense variant.
Genome position (GRCh38, 1-based): chr20:50,892,904, G>A on the plus strand (C>T on the coding strand, the complement: ADNP is on the minus strand). VCF-style: chr20-50892904-G-A. GRCh37 (hg19) VCF-style: chr20-49509441-G-A.
Other names: c.1810C>T, p.Pro604Ser (NM_181442.4, NM_001282532.2, NM_001347511.2 and 1 more transcripts); short protein forms P604S.
Identifiers: ClinVar variation 1993266 (VCV001993266.4), dbSNP rs754946235, ClinGen allele CA408972186.